The following is an entry in ClinVar:

ClinVar aggregate classification (germline): Pathogenic (1 of 4 stars; one submission).

Conditions:
Duchenne muscular dystrophy (DMD). Also called: Duchenne Muscular Dystrophy (DMD); MUSCULAR DYSTROPHY, PSEUDOHYPERTROPHIC PROGRESSIVE, DUCHENNE TYPE. Identifiers: Orphanet 98896, MedGen C0013264, MONDO:0010679, OMIM 310200.

Submission:

Labcorp Genetics (formerly Invitae), Labcorp
Classification: Pathogenic for Duchenne muscular dystrophy. Last evaluated: 2023-08-28. Review status: criteria provided, single submitter. Criteria: Invitae Variant Classification Sherloc (09022015). Collection method: clinical testing. Allele origin: germline.
Comment: This variant is a gross deletion of the genomic region encompassing exon(s) 2-9 of the DMD gene. This deletion is out-of-frame, and is expected to create a premature termination codon and result in an absent or disrupted protein product. Loss-of-function variants in DMD are known to be pathogenic (PMID: 16770791, 25007885). This variant has not been reported in the literature in individuals affected with DMD-related conditions. For these reasons, this variant has been classified as Pathogenic.

Literature cited by the submitters: PubMed 16770791; PubMed 25007885.

NC_000023.10:g.(?_32715967)_(33038337_?)del

Gene: DMD (dystrophin; minus strand). Cytogenetic location: Xp21.1.
Variant type: Deletion.
Identifiers: ClinVar variation 2424904 (VCV002424904.5).